The following is an entry in ClinVar:

ClinVar aggregate classification (germline): Uncertain significance (1 of 4 stars; one submission).

Allele frequency attached by ClinVar (database versions not stated): gnomAD 0.00001; gnomAD exomes 0.00001; TOPMed 0.00002.
gnomAD v4.1: 5 of 1,614,070 alleles (0.00031%); highest among the groups gnomAD compares: Admixed American, 0.0083%; no homozygotes.

Submission:

Labcorp Genetics (formerly Invitae), Labcorp
Classification: Uncertain significance. Last evaluated: 2024-02-24. Review status: criteria provided, single submitter. Criteria: Invitae Variant Classification Sherloc (09022015). Collection method: clinical testing. Allele origin: germline.
Comment: This sequence change replaces glycine, which is neutral and non-polar, with valine, which is neutral and non-polar, at codon 395 of the CENPJ protein (p.Gly395Val). This variant is present in population databases (no rsID available, gnomAD 0.009%). This variant has not been reported in the literature in individuals affected with CENPJ-related conditions. ClinVar contains an entry for this variant (Variation ID: 1053299). Advanced modeling of protein sequence and biophysical properties (such as structural, functional, and spatial information, amino acid conservation, physicochemical variation, residue mobility, and thermodynamic stability) performed at Invitae indicates that this missense variant is not expected to disrupt CENPJ protein function with a negative predictive value of 80%. In summary, the available evidence is currently insufficient to determine the role of this variant in disease. Therefore, it has been classified as a Variant of Uncertain Significance.

NM_018451.5(CPAP):c.1184G>T (p.Gly395Val)

Gene: CPAP (centrosome assembly and centriole elongation protein; minus strand). Cytogenetic location: 13q12.13.
Variant type: single nucleotide variant.
Coding change: c.1184G>T on transcript NM_018451.5 (MANE Select); coding-DNA position 1184, G replaced by T.
Protein change: p.Gly395Val; replaces glycine 395 with valine.
Molecular consequence: missense variant. On other transcripts: non-coding transcript variant (2).
Genome position (GRCh38, 1-based): chr13:24,906,854, C>A on the plus strand (G>T on the coding strand, the complement: CPAP is on the minus strand). VCF-style: chr13-24906854-C-A. GRCh37 (hg19) VCF-style: chr13-25480992-C-A.
Other names: short protein forms G395V.
Identifiers: ClinVar variation 1053299 (VCV001053299.7), dbSNP rs1434652818, ClinGen allele CA387588760.